The following is an entry in ClinVar:

NM_003247.5(THBS2):c.1671C>G (p.Pro557=)

Genes: THBS2 (thrombospondin 2; minus strand), THBS2-AS1 (THBS2 antisense RNA 1; plus strand). Cytogenetic location: 6q27.
Variant type: single nucleotide variant.
Coding change: c.1671C>G on transcript NM_003247.5 (MANE Select); coding-DNA position 1671, C replaced by G.
Protein change: p.Pro557=; no amino-acid change (proline 557 retained).
Molecular consequence: synonymous variant. On other transcripts: non-coding transcript variant (2).
Genome position (GRCh38, 1-based): chr6:169,232,998, G>C on the plus strand (C>G on the coding strand, the complement: THBS2 is on the minus strand). VCF-style: chr6-169232998-G-C. GRCh37 (hg19) VCF-style: chr6-169633093-G-C.
Other names: c.1497C>G, p.Pro499= (NM_001381939.1); c.1671C>G, p.Pro557= (NM_001381940.1); c.1440C>G, p.Pro480= (NM_001381942.1).
Identifiers: ClinVar variation 784104 (VCV000784104.4), dbSNP rs61736308, ClinGen allele CA4103214.

ClinVar aggregate classification (germline): Benign/Likely benign. Review status: criteria provided, multiple submitters, no conflicts (2 of 4 stars). 2 submissions from 2 submitters: Benign (1); Likely benign (1). Last evaluated 2026-08-01.

Allele frequency attached by ClinVar (database versions not stated): gnomAD exomes 0.00102; ExAC 0.00187; ESP Exome Variant Server 0.00234; 1000 Genomes Project 30x 0.00312; 1000 Genomes Project 0.00319; gnomAD 0.00378 and 0.00404; TOPMed 0.00450.

Submissions (2):

CeGaT Center for Human Genetics Tuebingen
Classification: Likely benign. Last evaluated: 2026-08-01. Review status: criteria provided, single submitter. Criteria: CeGaT Center For Human Genetics Tuebingen Variant Classification Criteria Version 2. Collection method: clinical testing. Allele origin: germline. Affected: yes. Observed: 1 variant allele.
Comment: THBS2: BP4, BP7, BS1

Labcorp Genetics (formerly Invitae), Labcorp
Classification: Benign. Last evaluated: 2018-04-16. Review status: criteria provided, single submitter. Criteria: Invitae Variant Classification Sherloc (09022015). Collection method: clinical testing. Allele origin: germline.